The following is an entry in ClinVar:

ClinVar aggregate classification (germline): Uncertain significance. Review status: criteria provided, multiple submitters, no conflicts (2 of 4 stars). 4 submissions from 4 submitters: Uncertain significance (4). Last evaluated 2024-07-14.

Conditions:
Cardiovascular phenotype. Identifiers: MedGen CN230736.
Alstrom syndrome (ALMS). Identifiers: Orphanet 64, MedGen C0268425, MONDO:0008763, OMIM 203800.

Allele frequency attached by ClinVar (database versions not stated): gnomAD exomes below 0.00001; TOPMed 0.00002; gnomAD 0.00003.
gnomAD v4.1: 11 of 1,614,048 alleles (0.00068%); highest among the groups gnomAD compares: African/African-American, 0.011%; no homozygotes.

Submissions (4):

GeneDx
Classification: Uncertain significance. Last evaluated: 2024-07-14. Review status: criteria provided, single submitter. Criteria: GeneDx Variant Classification Process June 2021. Collection method: clinical testing. Allele origin: germline. Affected: yes.
Comment: Not observed at significant frequency in large population cohorts (gnomAD); In silico analysis supports that this missense variant has a deleterious effect on protein structure/function; Has not been previously published as pathogenic or benign to our knowledge

Labcorp Genetics (formerly Invitae), Labcorp
Classification: Uncertain significance for Alstrom syndrome. Last evaluated: 2023-06-27. Review status: criteria provided, single submitter. Criteria: Invitae Variant Classification Sherloc (09022015). Collection method: clinical testing. Allele origin: germline.
Comment: In summary, the available evidence is currently insufficient to determine the role of this variant in disease. Therefore, it has been classified as a Variant of Uncertain Significance. Experimental studies and prediction algorithms are not available or were not evaluated, and the functional significance of this variant is currently unknown. ClinVar contains an entry for this variant (Variation ID: 1739636). This variant has not been reported in the literature in individuals affected with ALMS1-related conditions. This variant is present in population databases (no rsID available, gnomAD 0.01%). This sequence change replaces aspartic acid, which is acidic and polar, with glycine, which is neutral and non-polar, at codon 3905 of the ALMS1 protein (p.Asp3905Gly).

Blueprint Genetics
Classification: Uncertain significance. Last evaluated: 2023-06-26. Review status: criteria provided, single submitter. Criteria: ACMG Guidelines, 2015. Collection method: clinical testing. Allele origin: germline.

Ambry Genetics
Classification: Uncertain significance for Cardiovascular phenotype. Last evaluated: 2021-06-30. Review status: criteria provided, single submitter. Criteria: Ambry Variant Classification Scheme 2023. Collection method: clinical testing. Allele origin: germline.
Comment: The p.D3905G variant (also known as c.11714A>G), located in coding exon 18 of the ALMS1 gene, results from an A to G substitution at nucleotide position 11714. The aspartic acid at codon 3905 is replaced by glycine, an amino acid with similar properties. This amino acid position is highly conserved in available vertebrate species. In addition, this alteration is predicted to be deleterious by in silico analysis. Since supporting evidence is limited at this time, the clinical significance of this alteration remains unclear.

NM_001378454.1(ALMS1):c.11711A>G (p.Asp3904Gly)

Gene: ALMS1 (ALMS1 centrosome and basal body associated protein; plus strand). Cytogenetic location: 2p13.1.
Variant type: single nucleotide variant.
Coding change: c.11711A>G on transcript NM_001378454.1 (MANE Select); coding-DNA position 11711, A replaced by G.
Protein change: p.Asp3904Gly; replaces aspartic acid 3904 with glycine.
Molecular consequence: missense variant.
Genome position (GRCh38, 1-based): chr2:73,600,720, A>G. VCF-style: chr2-73600720-A-G. GRCh37 (hg19) VCF-style: chr2-73827847-A-G.
Other names: c.11714A>G, p.Asp3905Gly (NM_015120.4); short protein forms D3904G, D3905G.
Identifiers: ClinVar variation 1739636 (VCV001739636.7), dbSNP rs1197037048, ClinGen allele CA347264256.